The following is an entry in ClinVar:

NM_000218.3(KCNQ1):c.672G>A (p.Thr224=)

Gene: KCNQ1 (potassium voltage-gated channel subfamily Q member 1; plus strand). Cytogenetic location: 11p15.5.
Variant type: single nucleotide variant.
Coding change: c.672G>A on transcript NM_000218.3 (MANE Select); coding-DNA position 672, G replaced by A.
Protein change: p.Thr224=; no amino-acid change (threonine 224 retained).
Molecular consequence: synonymous variant. On other transcripts: intron variant (1).
Genome position (GRCh38, 1-based): chr11:2,571,392, G>A. VCF-style: chr11-2571392-G-A. GRCh37 (hg19) VCF-style: chr11-2592622-G-A.
Other names: c.672G>A, p.Thr224= (NM_001406836.1); c.402G>A, p.Thr134= (NM_001406837.1); c.291G>A, p.Thr97= (NM_181798.2); c.478-12043G>A (NM_001406838.1).
Identifiers: ClinVar variation 385172 (VCV000385172.18), dbSNP rs550887954, ClinGen allele CA039451.

ClinVar aggregate classification (germline): Likely benign. Review status: criteria provided, multiple submitters, no conflicts (2 of 4 stars). 6 submissions from 6 submitters: Likely benign (6). Last evaluated 2026-01-19.

Conditions:
Cardiovascular phenotype. Identifiers: MedGen CN230736.
Cardiac arrhythmia. Also called: Arrhythmia; Cardiac rhythm disease. Identifiers: MedGen C0003811, MONDO:0007263, HP:0011675.
Long QT syndrome (LQTS). Identifiers: MedGen C0023976, MeSH D008133, MONDO:0002442. Disease mechanism: loss of function. Inheritance: Various modes of inheritance.

Allele frequency attached by ClinVar (database versions not stated): gnomAD 0.00001 and 0.00002; TOPMed 0.00002; gnomAD exomes 0.00003 and 0.00007; ExAC 0.00009; 1000 Genomes Project 30x 0.00016; 1000 Genomes Project 0.00020.
gnomAD v4.1: 51 of 1,611,680 alleles (0.0032%); highest among the groups gnomAD compares: South Asian, 0.026%; no homozygotes.

Submissions (6):

Labcorp Genetics (formerly Invitae), Labcorp
Classification: Likely benign for Long QT syndrome. Last evaluated: 2026-01-19. Review status: criteria provided, single submitter. Criteria: Invitae Variant Classification Sherloc (09022015). Collection method: clinical testing. Allele origin: germline.

Blueprint Genetics
Classification: Likely benign. Last evaluated: 2024-06-17. Review status: criteria provided, single submitter. Criteria: ACMG Guidelines, 2015. Collection method: clinical testing. Allele origin: germline.

All of Us Research Program, National Institutes of Health
Classification: Likely benign for Long QT syndrome. Last evaluated: 2023-12-13. Review status: criteria provided, single submitter. Criteria: ACMG Guidelines, 2015. Collection method: clinical testing. Allele origin: germline. Inheritance: Autosomal dominant inheritance. Observed: 5 variant alleles, 5 heterozygotes.
Comment: This study involves interpretation of variants in research participants for the purpose of population health screening. Participant phenotype was not available at the time of variant classification. Additional details can be found in publication PMID: 35346344, PMCID: PMC8962531

Ambry Genetics
Classification: Likely benign for Cardiovascular phenotype. Last evaluated: 2022-11-04. Review status: criteria provided, single submitter. Criteria: Ambry Variant Classification Scheme 2023. Collection method: clinical testing. Allele origin: germline.

GeneDx
Classification: Likely benign. Last evaluated: 2018-12-06. Review status: criteria provided, single submitter. Criteria: GeneDx Variant Classification Process June 2021. Collection method: clinical testing. Allele origin: germline. Affected: yes.

Color Diagnostics, LLC DBA Color Health
Classification: Likely benign for Arrhythmia. Last evaluated: 2018-04-26. Review status: criteria provided, single submitter. Criteria: ACMG Guidelines, 2015. Collection method: clinical testing. Allele origin: germline.